The following is an entry in ClinVar:

ClinVar aggregate classification (germline): Uncertain significance (1 of 4 stars; one submission).

Conditions:
Immunodeficiency 104. Also called: Severe combined immunodeficiency, autosomal recessive, T cell-negative, B cell-positive, NK cell-positive; SCID, AUTOSOMAL RECESSIVE, T CELL-NEGATIVE, B CELL-POSITIVE, NK CELL-POSITIVE; Severe Combined Immune Deficiency, Autosomal Recessive, TCell -Negative, B Cell-Positive, NK Cell-Positive, IL7R-Related; IMMUNODEFICIENCY 104, SEVERE COMBINED. Identifiers: MedGen C5676890, MONDO:0012163, OMIM 608971.

Submission:

Labcorp Genetics (formerly Invitae), Labcorp
Classification: Uncertain significance for Immunodeficiency 104. Last evaluated: 2019-12-04. Review status: criteria provided, single submitter. Criteria: Invitae Variant Classification Sherloc (09022015). Collection method: clinical testing. Allele origin: germline.
Comment: In summary, the available evidence is currently insufficient to determine the role of this variant in disease. Therefore, it has been classified as a Variant of Uncertain Significance. Algorithms developed to predict the effect of missense changes on protein structure and function output the following: SIFT: "Deleterious"; PolyPhen-2: "Benign"; Align-GVGD: "Class C65". The glutamic acid amino acid residue is found in multiple mammalian species, suggesting that this missense change does not adversely affect protein function. These predictions have not been confirmed by published functional studies and their clinical significance is uncertain. This variant has not been reported in the literature in individuals with PTPRC-related conditions. This variant is not present in population databases (ExAC no frequency). This sequence change replaces glycine with glutamic acid at codon 1077 of the PTPRC protein (p.Gly1077Glu). The glycine residue is highly conserved and there is a moderate physicochemical difference between glycine and glutamic acid.

NM_002838.5(PTPRC):c.3230G>A (p.Gly1077Glu)

Gene: PTPRC (protein tyrosine phosphatase receptor type C; plus strand). Cytogenetic location: 1q32.1.
Variant type: single nucleotide variant.
Coding change: c.3230G>A on transcript NM_002838.5 (MANE Select); coding-DNA position 3230, G replaced by A.
Protein change: p.Gly1077Glu; replaces glycine 1077 with glutamic acid.
Molecular consequence: missense variant.
Genome position (GRCh38, 1-based): chr1:198,752,271, G>A. VCF-style: chr1-198752271-G-A. GRCh37 (hg19) VCF-style: chr1-198721400-G-A.
Other names: c.2747G>A, p.Gly916Glu (NM_080921.4); short protein forms G1077E, G916E.
Identifiers: ClinVar variation 836911 (VCV000836911.10), dbSNP rs1655418449, ClinGen allele CA344054272.